The following is an entry in ClinVar:

ClinVar aggregate classification (germline): Uncertain significance. Review status: criteria provided, multiple submitters, no conflicts (2 of 4 stars). 2 submissions from 2 submitters: Uncertain significance (2). Last evaluated 2024-06-04.

Conditions:
Early-infantile DEE. Also called: Early infantile epileptic encephalopathy; Ohtahara syndrome; Early infantile epileptic encephalopathy with suppression bursts. Identifiers: Orphanet 1934, MedGen C0393706, MONDO:0800491.

Allele frequency attached by ClinVar (database versions not stated): gnomAD exomes below 0.00001 and 0.00001; TOPMed 0.00001.
gnomAD v4.1: 11 of 1,613,868 alleles (0.00068%); highest among the groups gnomAD compares: South Asian, 0.0033%; no homozygotes.

Submissions (2):

Labcorp Genetics (formerly Invitae), Labcorp
Classification: Uncertain significance for Early-infantile DEE. Last evaluated: 2024-06-04. Review status: criteria provided, single submitter. Criteria: Invitae Variant Classification Sherloc (09022015). Collection method: clinical testing. Allele origin: germline.
Comment: This sequence change replaces arginine, which is basic and polar, with tryptophan, which is neutral and slightly polar, at codon 121 of the SPTAN1 protein (p.Arg121Trp). This variant is present in population databases (no rsID available, gnomAD 0.003%). This variant has not been reported in the literature in individuals affected with SPTAN1-related conditions. ClinVar contains an entry for this variant (Variation ID: 624368). An algorithm developed to predict the effect of missense changes on protein structure and function (PolyPhen-2) suggests that this variant is likely to be disruptive. In summary, the available evidence is currently insufficient to determine the role of this variant in disease. Therefore, it has been classified as a Variant of Uncertain Significance.

CeGaT Center for Human Genetics Tuebingen
Classification: Uncertain significance. Last evaluated: 2018-10-01. Review status: criteria provided, single submitter. Criteria: CeGaT Center For Human Genetics Tuebingen Variant Classification Criteria Version 2. Collection method: clinical testing. Allele origin: germline. Affected: yes. Observed: 3 variant alleles.

NM_001130438.3(SPTAN1):c.361C>T (p.Arg121Trp)

Gene: SPTAN1 (spectrin alpha, non-erythrocytic 1; plus strand). Cytogenetic location: 9q34.11.
Variant type: single nucleotide variant.
Coding change: c.361C>T on transcript NM_001130438.3 (MANE Select); coding-DNA position 361, C replaced by T.
Protein change: p.Arg121Trp; replaces arginine 121 with tryptophan.
Molecular consequence: missense variant.
Genome position (GRCh38, 1-based): chr9:128,568,895, C>T. VCF-style: chr9-128568895-C-T. GRCh37 (hg19) VCF-style: chr9-131331174-C-T.
Other names: c.361C>T, p.Arg121Trp (NM_001195532.2, NM_001363759.2, NM_001363765.2 and 1 more transcripts); short protein forms R121W.
Identifiers: ClinVar variation 624368 (VCV000624368.47), dbSNP rs1376670407, ClinGen allele CA375051343.